The following is an entry in ClinVar:

NM_003859.3(DPM1):c.671T>A (p.Ile224Asn)

Genes: DPM1 (dolichyl-phosphate mannosyltransferase subunit 1, catalytic; minus strand), ADNP-AS1 (ADNP antisense RNA 1; plus strand). Cytogenetic location: 20q13.13.
Variant type: single nucleotide variant.
Coding change: c.671T>A on transcript NM_003859.3 (MANE Select); coding-DNA position 671, T replaced by A.
Protein change: p.Ile224Asn; replaces isoleucine 224 with asparagine.
Molecular consequence: missense variant. On other transcripts: non-coding transcript variant (1).
Genome position (GRCh38, 1-based): chr20:50,936,155, A>T on the plus strand (T>A on the coding strand, the complement: DPM1 is on the minus strand). VCF-style: chr20-50936155-A-T. GRCh37 (hg19) VCF-style: chr20-49552692-A-T.
Other names: c.776T>A, p.Ile259Asn (NM_001317034.1); c.752T>A, p.Ile251Asn (NM_001317035.1); c.602T>A, p.Ile201Asn (NM_001317036.1); short protein forms I259N, I201N, I251N, I224N.
Identifiers: ClinVar variation 1386747 (VCV001386747.8), dbSNP rs2123061350, ClinGen allele CA408987259.

ClinVar aggregate classification (germline): Uncertain significance (1 of 4 stars; one submission).

Conditions:
Congenital disorder of glycosylation type 1E (CDG1E). Also called: CONGENITAL DISORDER OF GLYCOSYLATION, TYPE Ie; CDG Ie. Identifiers: Orphanet 79322, MedGen C1837396, MONDO:0012123, OMIM 608799.

Allele frequency attached by ClinVar (database versions not stated): gnomAD exomes below 0.00001.
gnomAD v4.1: 4 of 1,610,712 alleles (0.00025%); highest among the groups gnomAD compares: Non-Finnish European, 0.00025%; no homozygotes.

Submission:

Labcorp Genetics (formerly Invitae), Labcorp
Classification: Uncertain significance for Congenital disorder of glycosylation type 1E. Last evaluated: 2021-05-06. Review status: criteria provided, single submitter. Criteria: Invitae Variant Classification Sherloc (09022015). Collection method: clinical testing. Allele origin: germline.
Comment: In summary, the available evidence is currently insufficient to determine the role of this variant in disease. Therefore, it has been classified as a Variant of Uncertain Significance. Algorithms developed to predict the effect of missense changes on protein structure and function (SIFT, PolyPhen-2, Align-GVGD) all suggest that this variant is likely to be disruptive, but these predictions have not been confirmed by published functional studies and their clinical significance is uncertain. This variant has not been reported in the literature in individuals with DPM1-related conditions. This variant is not present in population databases (ExAC no frequency). This sequence change replaces isoleucine with asparagine at codon 224 of the DPM1 protein (p.Ile224Asn). The isoleucine residue is highly conserved and there is a large physicochemical difference between isoleucine and asparagine.